The following is an entry in ClinVar:

NM_000124.4(ERCC6):c.4063-5T>C

Gene: ERCC6 (ERCC excision repair 6, chromatin remodeling factor; minus strand). Cytogenetic location: 10q11.23.
Variant type: single nucleotide variant.
Coding change: c.4063-5T>C on transcript NM_000124.4 (MANE Select); 5 bases into the intron before coding-DNA position 4063, T replaced by C.
Molecular consequence: intron variant.
Genome position (GRCh38, 1-based): chr10:49,459,239, A>G on the plus strand (T>C on the coding strand, the complement: ERCC6 is on the minus strand). VCF-style: chr10-49459239-A-G. GRCh37 (hg19) VCF-style: chr10-50667285-A-G.
Other names: c.4063-5T>C (NM_000124.3, NM_001346440.2).
Identifiers: ClinVar variation 802569 (VCV000802569.12), dbSNP rs186482480, ClinGen allele CA5495185.

ClinVar aggregate classification (germline): Conflicting classifications of pathogenicity. Review status: criteria provided, conflicting classifications (1 of 4 stars). 3 submissions from 3 submitters: Uncertain significance (1); Likely benign (1). 1 of the submissions does not count toward it. Last evaluated 2025-12-15.

Conditions:
DE SANCTIS-CACCHIONE SYNDROME. Identifiers: MedGen C0265201, MONDO:0010217, OMIM 278800.
ERCC6-related disorder. Also called: ERCC6-related condition; ERCC6-related disorders. Identifiers: MedGen CN239385.

Allele frequency attached by ClinVar (database versions not stated): gnomAD exomes 0.00001 and 0.00004; ExAC 0.00007; gnomAD 0.00015 and 0.00016; 1000 Genomes Project 30x 0.00016; TOPMed 0.00017; 1000 Genomes Project 0.00020; ESP Exome Variant Server 0.00031.
gnomAD v4.1: 38 of 1,613,808 alleles (0.0024%); highest among the groups gnomAD compares: African/African-American, 0.045%; no homozygotes.

Submissions (3):

Labcorp Genetics (formerly Invitae), Labcorp
Classification: Likely benign. Last evaluated: 2025-12-15. Review status: criteria provided, single submitter. Criteria: Invitae Variant Classification Sherloc (09022015). Collection method: clinical testing. Allele origin: germline.

Mendelics
Classification: Uncertain significance for DE SANCTIS-CACCHIONE SYNDROME. Last evaluated: 2019-05-28. Review status: criteria provided, single submitter. Criteria: Mendelics Assertion Criteria 2017. Collection method: clinical testing. Allele origin: unknown.

PreventionGenetics, part of Exact Sciences
Classification: Likely benign for ERCC6-related condition. Last evaluated: 2019-03-27. Review status: no assertion criteria provided. Collection method: clinical testing. Allele origin: germline. Not counted in ClinVar's aggregate classification.
Comment: This variant is classified as likely benign based on ACMG/AMP sequence variant interpretation guidelines (Richards et al. 2015 PMID: 25741868, with internal and published modifications).